The following is an entry in ClinVar:

NM_005559.4(LAMA1):c.8307C>T (p.His2769=)

Gene: LAMA1 (laminin subunit alpha 1; minus strand). Cytogenetic location: 18p11.31.
Variant type: single nucleotide variant.
Coding change: c.8307C>T on transcript NM_005559.4 (MANE Select); coding-DNA position 8307, C replaced by T.
Protein change: p.His2769=; no amino-acid change (histidine 2769 retained).
Molecular consequence: synonymous variant.
Genome position (GRCh38, 1-based): chr18:6,950,872, G>A on the plus strand (C>T on the coding strand, the complement: LAMA1 is on the minus strand). VCF-style: chr18-6950872-G-A. GRCh37 (hg19) VCF-style: chr18-6950871-G-A.
Other names: p.His2769=.
Identifiers: ClinVar variation 2177093 (VCV002177093.15), dbSNP rs148724560, ClinGen allele CA8880518.

ClinVar aggregate classification (germline): Likely benign. Review status: criteria provided, multiple submitters, no conflicts (2 of 4 stars). 5 submissions from 5 submitters: Likely benign (5). Last evaluated 2025-11-13.

Allele frequency attached by ClinVar (database versions not stated): TOPMed 0.00010; gnomAD 0.00021; ESP Exome Variant Server 0.00023; 1000 Genomes Project 30x 0.00031; 1000 Genomes Project 0.00040.
gnomAD v4.1: 331 of 1,614,092 alleles (0.021%); highest among the groups gnomAD compares: Non-Finnish European, 0.019%; 2 homozygotes.

Submissions (5):

Labcorp Genetics (formerly Invitae), Labcorp
Classification: Likely benign. Last evaluated: 2025-11-13. Review status: criteria provided, single submitter. Criteria: Invitae Variant Classification Sherloc (09022015). Collection method: clinical testing. Allele origin: germline.

Women's Health and Genetics/Laboratory Corporation of America, LabCorp
Classification: Likely benign. Last evaluated: 2025-04-09. Review status: criteria provided, single submitter. Criteria: LabCorp Variant Classification Summary - May 2015. Collection method: clinical testing. Allele origin: germline.

CeGaT Center for Human Genetics Tuebingen
Classification: Likely benign. Last evaluated: 2025-03-01. Review status: criteria provided, single submitter. Criteria: CeGaT Center For Human Genetics Tuebingen Variant Classification Criteria Version 2. Collection method: clinical testing. Allele origin: germline. Affected: yes. Observed: 1 variant allele.
Comment: LAMA1: BP4, BP7

Mayo Clinic Laboratories, Mayo Clinic
Classification: Likely benign. Last evaluated: 2025-01-28. Review status: criteria provided, single submitter. Criteria: ACMG Guidelines, 2015. Collection method: clinical testing. Allele origin: germline. Observed: 1 variant allele.
Comment: BP4, BP7

Blueprint Genetics
Classification: Likely benign. Last evaluated: 2024-11-21. Review status: criteria provided, single submitter. Criteria: ACMG Guidelines, 2015. Collection method: clinical testing. Allele origin: germline.